The following is an entry in ClinVar:

NM_003002.4(SDHD):c.446T>G (p.Ile149Ser)

Gene: SDHD (succinate dehydrogenase complex subunit D; plus strand). Cytogenetic location: 11q23.1.
Variant type: single nucleotide variant.
Coding change: c.446T>G on transcript NM_003002.4 (MANE Select); coding-DNA position 446, T replaced by G.
Protein change: p.Ile149Ser; replaces isoleucine 149 with serine.
Molecular consequence: missense variant. On other transcripts: 3 prime UTR variant (2), non-coding transcript variant (1).
Genome position (GRCh38, 1-based): chr11:112,094,936, T>G. VCF-style: chr11-112094936-T-G. GRCh37 (hg19) VCF-style: chr11-111965660-T-G.
Other names: c.*43T>G (NM_001276503.2); c.329T>G, p.Ile110Ser (NM_001276504.2); c.*144T>G (NM_001276506.2); c.446T>G (NM_003002.2); short protein forms I110S, I149S.
Identifiers: ClinVar variation 1017663 (VCV001017663.12), dbSNP rs1295620545, ClinGen allele CA382619474.
Genomic context (GRCh38, chr11:112,094,936, plus strand): 5'-TGGCACTTTCAGCTTTAACCTTTGCTGGGCTTTGCTATTTCAACTATCACGATGTGGGCA[T>G]CTGCAAAGCTGTTGCCATGCTGTGGAAGCTCTGACCTTTTTGACTTCATACTTTGAAGAA-3'
Protein context (NP_002993.1, residues 139-159): LCYFNYHDVG[Ile149Ser]CKAVAMLWKL

ClinVar aggregate classification (germline): Uncertain significance. Review status: criteria provided, multiple submitters, no conflicts (2 of 4 stars). 3 submissions from 3 submitters: Uncertain significance (3). Last evaluated 2025-09-16.

Conditions:
Carney-Stratakis syndrome. Also called: PARAGANGLIOMA AND GASTROINTESTINAL STROMAL TUMOR. Identifiers: Orphanet 97286, MedGen C1847319, MONDO:0011740, OMIM 606864.
Pheochromocytoma. Also called: MAX-Related Hereditary Paraganglioma-Pheochromocytoma Syndrome. Identifiers: Orphanet 29072, MedGen C0031511, MONDO:0008233, OMIM 171300, HP:0002666.
Cowden syndrome 3 (CWS3). Identifiers: Orphanet 201, MedGen CN166604, MONDO:0014045.
Paragangliomas with sensorineural hearing loss. Identifiers: MedGen C1868633.
Hereditary pheochromocytoma and paraganglioma. Also called: Hereditary pheochromocytoma-paraganglioma; Hereditary Paraganglioma-Pheochromocytoma Syndromes; Hereditary paragangliomas and pheochromocytomas. Identifiers: Orphanet 29072, MedGen C4274332, MONDO:0017366.
Hereditary cancer-predisposing syndrome. Also called: Hereditary neoplastic syndrome; Hereditary Cancer Syndrome; Tumor predisposition; Neoplastic Syndromes, Hereditary. Identifiers: Orphanet 140162, MedGen C0027672, MeSH D009386, MONDO:0015356.

Allele frequency attached by ClinVar (database versions not stated): TOPMed below 0.00001.

Submissions (3):

Labcorp Genetics (formerly Invitae), Labcorp
Classification: Uncertain significance for Carney-Stratakis syndrome; Paragangliomas with sensorineural hearing loss; Pheochromocytoma; Cowden syndrome 3. Last evaluated: 2025-09-16. Review status: criteria provided, single submitter. Criteria: Invitae Variant Classification Sherloc (09022015). Collection method: clinical testing. Allele origin: germline.
Comment: This sequence change replaces isoleucine, which is neutral and non-polar, with serine, which is neutral and polar, at codon 149 of the SDHD protein (p.Ile149Ser). This variant is present in population databases (no rsID available, gnomAD 0.007%). This variant has not been reported in the literature in individuals affected with SDHD-related conditions. ClinVar contains an entry for this variant (Variation ID: 1017663). Invitae Evidence Modeling of protein sequence and biophysical properties (such as structural, functional, and spatial information, amino acid conservation, physicochemical variation, residue mobility, and thermodynamic stability) indicates that this missense variant is expected to disrupt SDHD protein function with a positive predictive value of 95%. RNA analysis performed to evaluate the impact of this missense change on mRNA splicing indicates it does not significantly alter splicing (internal data). In summary, the available evidence is currently insufficient to determine the role of this variant in disease. Therefore, it has been classified as a Variant of Uncertain Significance.

Ambry Genetics
Classification: Uncertain significance for Hereditary cancer-predisposing syndrome. Last evaluated: 2023-12-04. Review status: criteria provided, single submitter. Criteria: Ambry Variant Classification Scheme 2023. Collection method: clinical testing. Allele origin: germline.
Comment: The p.I149S variant (also known as c.446T>G), located in coding exon 4 of the SDHD gene, results from a T to G substitution at nucleotide position 446. The isoleucine at codon 149 is replaced by serine, an amino acid with dissimilar properties. This amino acid position is highly conserved in available vertebrate species. In addition, this alteration is predicted to be deleterious by in silico analysis. Since supporting evidence is limited at this time, the clinical significance of this alteration remains unclear.

All of Us Research Program, National Institutes of Health
Classification: Uncertain significance for Hereditary pheochromocytoma and paraganglioma. Last evaluated: 2023-05-16. Review status: criteria provided, single submitter. Criteria: ACMG Guidelines, 2015. Collection method: clinical testing. Allele origin: germline. Inheritance: Autosomal dominant inheritance. Observed: 1 variant allele, 1 heterozygote.
Comment: This missense variant replaces isoleucine with serine at codon 149 of the SDHD protein. Computational prediction suggests that this variant may have deleterious impact on protein structure and function (internally defined REVEL score threshold >= 0.7, PMID: 27666373). To our knowledge, functional studies have not been reported for this variant. This variant has not been reported in individuals affected with SDHD-related disorders in the literature. This variant has been identified in 1/31408 chromosomes in the general population by the Genome Aggregation Database (gnomAD). The available evidence is insufficient to determine the role of this variant in disease conclusively. Therefore, this variant is classified as a Variant of Uncertain Significance.

This study involves interpretation of variants in research participants for the purpose of population health screening. Participant phenotype was not available at the time of variant classification. Additional details can be found in publication PMID: 35346344, PMCID: PMC8962531